The following is an entry in ClinVar:

NM_152564.5(VPS13B):c.4651G>T (p.Glu1551Ter)

Gene: VPS13B (vacuolar protein sorting 13 homolog B; plus strand). Cytogenetic location: 8q22.2.
Variant type: single nucleotide variant.
Coding change: c.4651G>T on transcript NM_152564.5 (MANE Select); coding-DNA position 4651, G replaced by T.
Protein change: p.Glu1551Ter; replaces glutamic acid 1551 with a stop codon.
Molecular consequence: nonsense.
Genome position (GRCh38, 1-based): chr8:99,520,916, G>T. VCF-style: chr8-99520916-G-T. GRCh37 (hg19) VCF-style: chr8-100533144-G-T.
Other names: c.4726G>T, p.Glu1576Ter (NM_017890.5); short protein forms E1576*, E1551*.
Identifiers: ClinVar variation 2788080 (VCV002788080.3), dbSNP rs2490585434, ClinGen allele CA371866411.

ClinVar aggregate classification (germline): Pathogenic (1 of 4 stars; one submission).

Conditions:
Cohen syndrome (COH1). Also called: PEPPER SYNDROME; Cutis verticis gyrata, retinitis pigmentosa, and sensorineural deafness. Identifiers: Orphanet 193, MedGen C0265223, MONDO:0008999, OMIM 216550.

Submission:

Labcorp Genetics (formerly Invitae), Labcorp
Classification: Pathogenic for Cohen syndrome. Last evaluated: 2022-11-23. Review status: criteria provided, single submitter. Criteria: Invitae Variant Classification Sherloc (09022015). Collection method: clinical testing. Allele origin: germline.
Comment: This variant is not present in population databases (gnomAD no frequency). For these reasons, this variant has been classified as Pathogenic. This variant has not been reported in the literature in individuals affected with VPS13B-related conditions. This sequence change creates a premature translational stop signal (p.Glu1576*) in the VPS13B gene. It is expected to result in an absent or disrupted protein product. Loss-of-function variants in VPS13B are known to be pathogenic (PMID: 15141358, 16648375, 20461111).

Literature cited by the submitters: PubMed 15141358; PubMed 16648375; PubMed 20461111.